The following is an entry in ClinVar:

NM_173598.6(KSR2):c.1044C>T (p.Cys348=)

Gene: KSR2 (kinase suppressor of ras 2; minus strand). Cytogenetic location: 12q24.22.
Variant type: single nucleotide variant.
Coding change: c.1044C>T on transcript NM_173598.6 (MANE Select); coding-DNA position 1044, C replaced by T.
Protein change: p.Cys348=; no amino-acid change (cysteine 348 retained).
Molecular consequence: synonymous variant.
Genome position (GRCh38, 1-based): chr12:117,667,601, G>A on the plus strand (C>T on the coding strand, the complement: KSR2 is on the minus strand). VCF-style: chr12-117667601-G-A. GRCh37 (hg19) VCF-style: chr12-118105406-G-A.
Identifiers: ClinVar variation 3346765 (VCV003346765.1).
Genomic context (GRCh38, chr12:117,667,601, plus strand): 5'-GAAGGAGCGGAGGGAGCGCTCGGACAGCAGCGGGGAGCGCTGCTGAGAGGGGATGTTCTC[G>A]CAGCTGCCTACGCTGCTGTGGATCTTGAGGTTCAAGGGTTTGCTCTTCTTCTTGGCTCTG-3'
Protein context (NP_775869.4, residues 338-358): NLKIHSSVGS[Cys348=]ENIPSQQRSP

ClinVar aggregate classification (germline): Likely benign (0 of 4 stars; one submission).

Conditions:
KSR2-related disorder. Also called: KSR2-related condition.

gnomAD v4.1: 18 of 1,612,926 alleles (0.0011%); highest among the groups gnomAD compares: Middle Eastern, 0.017%; no homozygotes.

Submission:

PreventionGenetics, part of Exact Sciences
Classification: Likely benign for KSR2-related condition. Last evaluated: 2024-03-29. Review status: no assertion criteria provided. Collection method: clinical testing. Allele origin: germline.
Comment: This variant is classified as likely benign based on ACMG/AMP sequence variant interpretation guidelines (Richards et al. 2015 PMID: 25741868, with internal and published modifications).